The following is an entry in ClinVar:

ClinVar aggregate classification (germline): Likely benign (1 of 4 stars; one submission).

Submission:

CeGaT Center for Human Genetics Tuebingen
Classification: Likely benign. Last evaluated: 2026-07-01. Review status: criteria provided, single submitter. Criteria: CeGaT Center For Human Genetics Tuebingen Variant Classification Criteria Version 2. Collection method: clinical testing. Allele origin: germline. Affected: yes. Observed: 33 variant alleles.
Comment: ABHD16A: BS2

NM_021160.3(ABHD16A):c.1307+8_1307+11dup

Gene: ABHD16A (abhydrolase domain containing 16A, phospholipase; minus strand). Cytogenetic location: 6p21.33.
Variant type: Microsatellite.
Coding change: c.1307+8_1307+11dup on transcript NM_021160.3 (MANE Select); bases 8 to 11 of the intron after coding-DNA position 1307, 4 bases duplicated (CGTG; older notation c.1307+8_1307+11dupCGTG).
Molecular consequence: intron variant.
Genome position (GRCh38, 1-based): chr6:31,688,238-31,688,241, CACG duplicated on the plus strand (CGTG on the coding strand, the reverse complement: ABHD16A is on the minus strand); duplicating any 4 consecutive bases within chr6:31,688,238-31,688,244 gives the same sequence; the c. name uses the placement nearest the transcript's 3' end. VCF-style (leftmost placement, unchanged base first): chr6-31688237-C-CCACG. GRCh37 (hg19) VCF-style: chr6-31656014-C-CCACG.
Other names: c.1208+8_1208+11dup (NM_001177515.2).
Identifiers: ClinVar variation 2571245 (VCV002571245.27), dbSNP rs9281554, ClinGen allele CA3719180.